The following is an entry in ClinVar:

NM_017780.4(CHD7):c.5818C>G (p.Arg1940Gly)

Gene: CHD7 (chromodomain helicase DNA binding protein 7; plus strand). Cytogenetic location: 8q12.2.
Variant type: single nucleotide variant.
Coding change: c.5818C>G on transcript NM_017780.4 (MANE Select); coding-DNA position 5818, C replaced by G.
Protein change: p.Arg1940Gly; replaces arginine 1940 with glycine.
Molecular consequence: missense variant. On other transcripts: intron variant (1).
Genome position (GRCh38, 1-based): chr8:60,852,171, C>G. VCF-style: chr8-60852171-C-G. GRCh37 (hg19) VCF-style: chr8-61764730-C-G.
Other names: c.1717-10058C>G (NM_001316690.1); short protein forms R1940G.
Identifiers: ClinVar variation 936366 (VCV000936366.9), dbSNP rs752539596, ClinGen allele CA371323045.
Genomic context (GRCh38, chr8:60,852,171, plus strand): 5'-TATCAGCGCAGCTATAAAAGGCAACAGATGAGGCAAGAGGCCCTAATGAAGACTGACCGG[C>G]GCAGACGGCGGCCTCGAGAGGAAGTGAGAGCTCTGGAAGCGGAAAGGGAAGCTATTATAT-3'
Protein context (NP_060250.2, residues 1930-1950): RQEALMKTDR[Arg1940Gly]RRRPREEVRA

ClinVar aggregate classification (germline): Uncertain significance (1 of 4 stars; one submission).

Conditions:
CHARGE syndrome (CHARGE). Also called: Hittner Hirsch Kreh syndrome; Coloboma, heart anomaly, choanal atresia, retardation, genital and ear anomalies; CHARGE association; Hall-Hittner syndrome; CHARGE ASSOCIATION--COLOBOMA, HEART ANOMALY, CHOANAL ATRESIA, RETARDATION, GENITAL AND EAR ANOMALIES. Identifiers: Orphanet 138, MedGen C0265354, MONDO:0008965.

gnomAD v4.1: 2 of 1,613,838 alleles (0.00012%); highest among the groups gnomAD compares: Non-Finnish European, 0.000085%; no homozygotes.

Submission:

Labcorp Genetics (formerly Invitae), Labcorp
Classification: Uncertain significance for CHARGE syndrome. Last evaluated: 2019-07-05. Review status: criteria provided, single submitter. Criteria: Invitae Variant Classification Sherloc (09022015). Collection method: clinical testing. Allele origin: germline.
Comment: This sequence change replaces arginine with glycine at codon 1940 of the CHD7 protein (p.Arg1940Gly). The arginine residue is highly conserved and there is a moderate physicochemical difference between arginine and glycine. This variant is not present in population databases (ExAC no frequency). This variant has not been reported in the literature in individuals with CHD7-related conditions. Algorithms developed to predict the effect of missense changes on protein structure and function are either unavailable or do not agree on the potential impact of this missense change (SIFT: "Deleterious"; PolyPhen-2: "Probably Damaging"; Align-GVGD: "Class C0"). In summary, the available evidence is currently insufficient to determine the role of this variant in disease. Therefore, it has been classified as a Variant of Uncertain Significance.